The following is an entry in ClinVar:

NM_006096.4(NDRG1):c.185A>G (p.Tyr62Cys)

Gene: NDRG1 (N-myc downstream regulated 1; minus strand). Cytogenetic location: 8q24.22.
Variant type: single nucleotide variant.
Coding change: c.185A>G on transcript NM_006096.4 (MANE Select); coding-DNA position 185, A replaced by G.
Protein change: p.Tyr62Cys; replaces tyrosine 62 with cysteine.
Molecular consequence: missense variant. On other transcripts: 5 prime UTR variant (2), intron variant (1).
Genome position (GRCh38, 1-based): chr8:133,264,567, T>C on the plus strand (A>G on the coding strand, the complement: NDRG1 is on the minus strand). VCF-style: chr8-133264567-T-C. GRCh37 (hg19) VCF-style: chr8-134276810-T-C.
Other names: c.185A>G, p.Tyr62Cys (NM_001135242.2, NM_001374844.1, NM_001374845.1 and 1 more transcripts); c.-14A>G (NM_001258432.2, NM_001374847.1); c.-38-2400A>G (NM_001258433.2); short protein forms Y62C.
Identifiers: ClinVar variation 968389 (VCV000968389.6), dbSNP rs142426003, ClinGen allele CA4886862.

ClinVar aggregate classification (germline): Uncertain significance. Review status: criteria provided, multiple submitters, no conflicts (2 of 4 stars). 3 submissions from 3 submitters: Uncertain significance (2). 1 of the submissions does not count toward it. Last evaluated 2025-03-28.

Conditions:
Inborn genetic diseases. Identifiers: MedGen C0950123, MeSH D030342.
Charcot-Marie-Tooth disease type 4. Also called: Charcot-Marie-Tooth disease, type IV; Charcot-Marie-Tooth, Type 4. Identifiers: Orphanet 64749, MedGen C4082197, MONDO:0018995.
Charcot-Marie-Tooth disease type 4D. Also called: CHARCOT-MARIE-TOOTH DISEASE, DEMYELINATING, TYPE 4D; NEUROPATHY, HEREDITARY MOTOR AND SENSORY, LOM TYPE; CHARCOT-MARIE-TOOTH DISEASE, DEMYELINATING, AUTOSOMAL RECESSIVE, TYPE 4D; Charcot-Marie-Tooth Neuropathy Type 4D. Identifiers: Orphanet 99950, MedGen C1832334, MONDO:0011085, OMIM 601455.

Allele frequency attached by ClinVar (database versions not stated): ExAC 0.00003; gnomAD exomes 0.00003 and 0.00004; gnomAD 0.00006 and 0.00007; TOPMed 0.00006; ESP Exome Variant Server 0.00015.
gnomAD v4.1: 60 of 1,614,006 alleles (0.0037%); highest among the groups gnomAD compares: African/African-American, 0.028%; no homozygotes.

Submissions (3):

Ambry Genetics
Classification: Uncertain significance for Inborn genetic diseases. Last evaluated: 2025-03-28. Review status: criteria provided, single submitter. Criteria: Ambry Variant Classification Scheme 2023. Collection method: clinical testing. Allele origin: germline.

Labcorp Genetics (formerly Invitae), Labcorp
Classification: Uncertain significance for Charcot-Marie-Tooth disease type 4. Last evaluated: 2022-10-18. Review status: criteria provided, single submitter. Criteria: Invitae Variant Classification Sherloc (09022015). Collection method: clinical testing. Allele origin: germline.
Comment: This sequence change replaces tyrosine, which is neutral and polar, with cysteine, which is neutral and slightly polar, at codon 62 of the NDRG1 protein (p.Tyr62Cys). This variant is present in population databases (rs142426003, gnomAD 0.02%). This variant has not been reported in the literature in individuals affected with NDRG1-related conditions. ClinVar contains an entry for this variant (Variation ID: 968389). Advanced modeling of protein sequence and biophysical properties (such as structural, functional, and spatial information, amino acid conservation, physicochemical variation, residue mobility, and thermodynamic stability) performed at Invitae indicates that this missense variant is not expected to disrupt NDRG1 protein function. In summary, the available evidence is currently insufficient to determine the role of this variant in disease. Therefore, it has been classified as a Variant of Uncertain Significance.

Natera, Inc.
Classification: Uncertain significance for Charcot-Marie-Tooth disease type 4D. Last evaluated: 2020-01-07. Review status: no assertion criteria provided. Collection method: clinical testing. Allele origin: germline. Not counted in ClinVar's aggregate classification.